The following is an entry in ClinVar:

NM_006662.3(SRCAP):c.4445C>T (p.Pro1482Leu)

Gene: SRCAP (Snf2 related CREBBP activator protein; plus strand). Cytogenetic location: 16p11.2.
Variant type: single nucleotide variant.
Coding change: c.4445C>T on transcript NM_006662.3 (MANE Select); coding-DNA position 4445, C replaced by T.
Protein change: p.Pro1482Leu; replaces proline 1482 with leucine.
Molecular consequence: missense variant.
Genome position (GRCh38, 1-based): chr16:30,723,869, C>T. VCF-style: chr16-30723869-C-T. GRCh37 (hg19) VCF-style: chr16-30735190-C-T.
Other names: short protein forms P1482L.
Identifiers: ClinVar variation 2775808 (VCV002775808.3), dbSNP rs2053035942, ClinGen allele CA395615994.

ClinVar aggregate classification (germline): Uncertain significance (1 of 4 stars; one submission).

Submission:

Labcorp Genetics (formerly Invitae), Labcorp
Classification: Uncertain significance. Last evaluated: 2023-04-18. Review status: criteria provided, single submitter. Criteria: Invitae Variant Classification Sherloc (09022015). Collection method: clinical testing. Allele origin: germline.
Comment: This sequence change replaces proline, which is neutral and non-polar, with leucine, which is neutral and non-polar, at codon 1482 of the SRCAP protein (p.Pro1482Leu). In summary, the available evidence is currently insufficient to determine the role of this variant in disease. Therefore, it has been classified as a Variant of Uncertain Significance. Advanced modeling of protein sequence and biophysical properties (such as structural, functional, and spatial information, amino acid conservation, physicochemical variation, residue mobility, and thermodynamic stability) has been performed at Invitae for this missense variant, however the output from this modeling did not meet the statistical confidence thresholds required to predict the impact of this variant on SRCAP protein function. This variant has not been reported in the literature in individuals affected with SRCAP-related conditions. This variant is not present in population databases (gnomAD no frequency).